The following is an entry in ClinVar:

ClinVar aggregate classification (germline): Uncertain significance (1 of 4 stars; one submission).

Allele frequency attached by ClinVar (database versions not stated): gnomAD 0.00001; gnomAD exomes 0.00001.
gnomAD v4.1: 7 of 1,024,654 alleles (0.00068%); highest among the groups gnomAD compares: African/African-American, 0.0017%; no homozygotes.

Submission:

Labcorp Genetics (formerly Invitae), Labcorp
Classification: Uncertain significance. Last evaluated: 2022-08-16. Review status: criteria provided, single submitter. Criteria: Invitae Variant Classification Sherloc (09022015). Collection method: clinical testing. Allele origin: germline.
Comment: In summary, the available evidence is currently insufficient to determine the role of this variant in disease. Therefore, it has been classified as a Variant of Uncertain Significance. Algorithms developed to predict the effect of missense changes on protein structure and function output the following: SIFT: "Tolerated"; PolyPhen-2: "Benign"; Align-GVGD: "Class C0". The isoleucine amino acid residue is found in multiple mammalian species, which suggests that this missense change does not adversely affect protein function. This variant has not been reported in the literature in individuals affected with KIAA1549-related conditions. The frequency data for this variant in the population databases is considered unreliable, as metrics indicate insufficient coverage at this position in the gnomAD database. This sequence change replaces valine, which is neutral and non-polar, with isoleucine, which is neutral and non-polar, at codon 21 of the KIAA1549 protein (p.Val21Ile).

NM_001164665.2(KIAA1549):c.61G>A (p.Val21Ile)

Gene: KIAA1549 (KIAA1549; minus strand). Cytogenetic location: 7q34.
Variant type: single nucleotide variant.
Coding change: c.61G>A on transcript NM_001164665.2 (MANE Select); coding-DNA position 61, G replaced by A.
Protein change: p.Val21Ile; replaces valine 21 with isoleucine.
Molecular consequence: missense variant.
Genome position (GRCh38, 1-based): chr7:138,981,209, C>T on the plus strand (G>A on the coding strand, the complement: KIAA1549 is on the minus strand). VCF-style: chr7-138981209-C-T. GRCh37 (hg19) VCF-style: chr7-138665955-C-T.
Other names: c.61G>A, p.Val21Ile (NM_020910.3); short protein forms V21I.
Identifiers: ClinVar variation 1928125 (VCV001928125.5), dbSNP rs1330143893, ClinGen allele CA369382543.
Genomic context (GRCh38, chr7:138,981,209, plus strand): 5'-GGCGGCGGCGGGCGCAGCGGGCGGAAGGCCGTCGGCCGCTCGGCCCCGGGGCCAGCGCGA[C>T]CCCGGCGCGGGGCTTCCCCTCCATGGCCGCGCCTCGGCGTCGGCGCCGCGCCCCCGGCAT-3'
Protein context (NP_001158137.1, residues 11-31): AAMEGKPRAG[Val21Ile]ALAPGPSGRR